The following is an entry in ClinVar:

NM_001267550.2(TTN):c.62681G>A (p.Cys20894Tyr)

Genes: TTN-AS1 (TTN antisense RNA 1; plus strand), TTN (titin; minus strand). Cytogenetic location: 2q31.2.
Variant type: single nucleotide variant.
Coding change: c.62681G>A on transcript NM_001267550.2 (MANE Select); coding-DNA position 62681, G replaced by A.
Protein change: p.Cys20894Tyr; replaces cysteine 20894 with tyrosine.
Molecular consequence: missense variant.
Genome position (GRCh38, 1-based): chr2:178,589,044, C>T on the plus strand (G>A on the coding strand, the complement: TTN is on the minus strand). VCF-style: chr2-178589044-C-T. GRCh37 (hg19) VCF-style: chr2-179453771-C-T.
Other names: c.57758G>A, p.Cys19253Tyr (NM_001256850.1); c.35486G>A, p.Cys11829Tyr (NM_003319.4); c.54977G>A, p.Cys18326Tyr (NM_133378.4); c.35861G>A, p.Cys11954Tyr (NM_133432.3); c.36062G>A, p.Cys12021Tyr (NM_133437.4); short protein forms C20894Y, C11954Y, C18326Y, C12021Y, C11829Y, C19253Y.
Identifiers: ClinVar variation 467350 (VCV000467350.6), dbSNP rs370080086, ClinGen allele CA349461293.
Genomic context (GRCh38, chr2:178,589,044, plus strand): 5'-TAGGTAGACCAAACCATTCGCTTTGTCTCACATTTTTCTAGAATATAATTTTGGATTTCA[C>T]AGCCACCATCATCTTCTGGTGGATCCCAGCAAACAGTACACCTATCACTGGACACATCAA-3'
Protein context (NP_001254479.2, residues 20884-20904): CWDPPEDDGG[Cys20894Tyr]EIQNYILEKC

ClinVar aggregate classification (germline): Uncertain significance. Review status: criteria provided, multiple submitters, no conflicts (2 of 4 stars). 3 submissions from 3 submitters: Uncertain significance (3). Last evaluated 2026-08-25.

Conditions:
Cardiovascular phenotype. Identifiers: MedGen CN230736.
TTN-related disorder. Also called: TTN-related condition; TTN-related disease; TTN-related disorders.
Autosomal recessive limb-girdle muscular dystrophy type 2J (LGMDR10). Also called: Limb-girdle muscular dystrophy, type 2J; MUSCULAR DYSTROPHY, LIMB-GIRDLE, AUTOSOMAL RECESSIVE 10. Identifiers: Orphanet 140922, MedGen C1837342, MONDO:0012127, OMIM 608807.
Dilated cardiomyopathy 1G (CMD1G). Identifiers: Orphanet 154, MedGen C1858763, MONDO:0011400, OMIM 604145.

Allele frequency attached by ClinVar (database versions not stated): TOPMed 0.00004.
gnomAD v4.1: 1 of 1,609,200 alleles (0.000062%); highest among the groups gnomAD compares: African/African-American, 0.0013%; no homozygotes.

Submissions (3):

PreventionGenetics, part of Exact Sciences
Classification: Uncertain significance for TTN-related condition. Last evaluated: 2026-08-25. Review status: criteria provided, single submitter. Criteria: ACMG Guidelines, 2015. Collection method: clinical testing. Allele origin: germline.
Comment: The TTN c.62681G>A variant is predicted to result in the amino acid substitution p.Cys20894Tyr. To our knowledge, this variant has not been reported in the literature or in a large population database (gnomAD), indicating this variant is rare. At this time, the clinical significance of this variant is uncertain due to the absence of conclusive functional and genetic evidence.

Ambry Genetics
Classification: Uncertain significance for Cardiovascular phenotype. Last evaluated: 2020-01-28. Review status: criteria provided, single submitter. Criteria: Ambry Variant Classification Scheme 2023. Collection method: clinical testing. Allele origin: germline.
Comment: The p.C11829Y variant (also known as c.35486G>A), located in coding exon 131 of the TTN gene, results from a G to A substitution at nucleotide position 35486. The cysteine at codon 11829 is replaced by tyrosine, an amino acid with highly dissimilar properties. This amino acid position is highly conserved in available vertebrate species. In addition, the in silico prediction for this alteration is inconclusive. Since supporting evidence is limited at this time, the clinical significance of this alteration remains unclear.

Labcorp Genetics (formerly Invitae), Labcorp
Classification: Uncertain significance for Dilated cardiomyopathy 1G; Autosomal recessive limb-girdle muscular dystrophy type 2J. Last evaluated: 2017-03-24. Review status: criteria provided, single submitter. Criteria: Invitae Variant Classification Sherloc (09022015). Collection method: clinical testing. Allele origin: germline.